The following is an entry in ClinVar:

ClinVar aggregate classification (germline): Pathogenic (1 of 4 stars; one submission).

Submission:

CeGaT Center for Human Genetics Tuebingen
Classification: Pathogenic. Last evaluated: 2026-03-01. Review status: criteria provided, single submitter. Criteria: CeGaT Center For Human Genetics Tuebingen Variant Classification Criteria Version 2. Collection method: clinical testing. Allele origin: germline. Affected: yes. Observed: 1 variant allele.
Comment: SPAST: PVS1, PM2

NM_014946.4(SPAST):c.1125del (p.Arg376fs)

Gene: SPAST (spastin; plus strand). Cytogenetic location: 2p22.3.
Variant type: Deletion.
Coding change: c.1125del on transcript NM_014946.4 (MANE Select); coding-DNA position 1125, one base deleted (C; older notation c.1125delC).
Protein change: p.Arg376fs; shifts the reading frame from arginine 376.
Molecular consequence: frameshift variant.
Genome position (GRCh38, 1-based): chr2:32,126,974, C deleted; the last of 2 consecutive C bases (chr2:32,126,973-32,126,974); deleting either gives the same sequence. VCF-style (leftmost placement, unchanged base first): chr2-32126972-GC-G. GRCh37 (hg19) VCF-style: chr2-32352041-GC-G.
Other names: c.1122del, p.Arg375fs (NM_001363823.2); c.1026del, p.Arg343fs (NM_001363875.2); c.1029del, p.Arg344fs (NM_001377959.1, NM_199436.2); short protein forms R343fs, R344fs, R375fs, R376fs.
Identifiers: ClinVar variation 4823565 (VCV004823565.4).